The following is an entry in ClinVar:

NM_001368894.2(PAX6):c.1307A>G (p.Gln436Arg)

Genes: ELP4 (elongator acetyltransferase complex subunit 4; plus strand), PAX6 (paired box 6; minus strand). Cytogenetic location: 11p13.
Variant type: single nucleotide variant.
Coding change: c.1307A>G on transcript NM_001368894.2 (MANE Select); coding-DNA position 1307, A replaced by G.
Protein change: p.Gln436Arg; replaces glutamine 436 with arginine.
Molecular consequence: missense variant. On other transcripts: non-coding transcript variant (2), 3 prime UTR variant (3).
Genome position (GRCh38, 1-based): chr11:31,789,938, T>C on the plus strand (A>G on the coding strand, the complement: PAX6 is on the minus strand). VCF-style: chr11-31789938-T-C. GRCh37 (hg19) VCF-style: chr11-31811486-T-C.
Other names: c.1307A>G, p.Gln436Arg (NM_001258462.3, NM_001258463.2, NM_001310158.2 and 3 more transcripts); c.1265A>G, p.Gln422Arg (NM_001258464.2, NM_001258465.3, NM_001368887.2 and 6 more transcripts); c.857A>G, p.Gln286Arg (NM_001310160.2, NM_001310161.3, NM_001368903.2 and 10 more transcripts); c.1508A>G, p.Gln503Arg (NM_001368910.2); c.1159A>G, p.Ser387Gly (NM_001368911.2); c.1106A>G, p.Gln369Arg (NM_001368922.2, NM_001368923.2, NM_001368924.2 and 3 more transcripts); c.1064A>G, p.Gln355Arg (NM_001368928.2); c.706A>G, p.Ser236Gly (NM_001368929.2); and 9 more; short protein forms Q221R, Q286R, Q355R, Q369R, Q422R, Q436R, Q447R, Q461R.
Identifiers: ClinVar variation 3759150 (VCV003759150.4).

ClinVar aggregate classification (germline): Uncertain significance. Review status: criteria provided, multiple submitters, no conflicts (2 of 4 stars). 2 submissions from 2 submitters: Uncertain significance (2). Last evaluated 2026-06-01.

Conditions:
Aniridia 1 (AN1). Identifiers: Orphanet 250923, MedGen C0344542, MONDO:0024507, OMIM 106210.
Irido-corneo-trabecular dysgenesis (ASGD5). Also called: ANTERIOR SEGMENT DYSGENESIS 5. Identifiers: Orphanet 708, MedGen C0344559, MONDO:0011414, OMIM 604229, HP:0000659.

gnomAD v4.1: 10 of 1,439,176 alleles (0.00069%); highest among the groups gnomAD compares: African/African-American, 0.0015%; no homozygotes.

Submissions (2):

CeGaT Center for Human Genetics Tuebingen
Classification: Uncertain significance. Last evaluated: 2026-06-01. Review status: criteria provided, single submitter. Criteria: CeGaT Center For Human Genetics Tuebingen Variant Classification Criteria Version 2. Collection method: clinical testing. Allele origin: germline. Affected: yes. Observed: 1 variant allele.
Comment: PAX6: PM2, PM6, PS3:Supporting

Labcorp Genetics (formerly Invitae), Labcorp
Classification: Uncertain significance for Aniridia 1; Irido-corneo-trabecular dysgenesis. Last evaluated: 2024-05-02. Review status: criteria provided, single submitter. Criteria: Invitae Variant Classification Sherloc (09022015). Collection method: clinical testing. Allele origin: germline.
Comment: This sequence change replaces glutamine, which is neutral and polar, with arginine, which is basic and polar, at codon 422 of the PAX6 protein (p.Gln422Arg). This variant is present in population databases (rs780356070, gnomAD 0.001%). This missense change has been observed in individual(s) with clinical features of PAX6-related conditions (PMID: 9538891, 11309364). This variant is also known as 1682A>G. Advanced modeling of protein sequence and biophysical properties (such as structural, functional, and spatial information, amino acid conservation, physicochemical variation, residue mobility, and thermodynamic stability) performed at Invitae indicates that this missense variant is not expected to disrupt PAX6 protein function with a negative predictive value of 95%. Experimental studies have shown that this missense change affects PAX6 function (PMID: 11309364, 16098226, 20577777). Algorithms developed to predict the effect of sequence changes on RNA splicing suggest that this variant may create or strengthen a splice site. In summary, the available evidence is currently insufficient to determine the role of this variant in disease. Therefore, it has been classified as a Variant of Uncertain Significance.

Literature cited by the submitters: PubMed 9538891 (cited by Labcorp Genetics (formerly Invitae), Labcorp); PubMed 11309364 (cited by Labcorp Genetics (formerly Invitae), Labcorp); PubMed 16098226 (cited by Labcorp Genetics (formerly Invitae), Labcorp); PubMed 20577777 (cited by Labcorp Genetics (formerly Invitae), Labcorp).